The following is an entry in ClinVar:

ClinVar aggregate classification (germline): Uncertain significance. Review status: criteria provided, multiple submitters, no conflicts (2 of 4 stars). 3 submissions from 3 submitters: Uncertain significance (3). Last evaluated 2025-06-27.

Conditions:
Colorectal cancer. Also called: Colorectal cancer, somatic; Malignant Colorectal Neoplasm. Identifiers: MedGen C0346629, MONDO:0005575, OMIM 114500.
Hereditary cancer-predisposing syndrome. Also called: Tumor predisposition; Hereditary neoplastic syndrome; Hereditary Cancer Syndrome; Neoplastic Syndromes, Hereditary. Identifiers: Orphanet 140162, MedGen C0027672, MeSH D009386, MONDO:0015356.
Oligodontia-cancer predisposition syndrome. Also called: TOOTH AGENESIS-COLORECTAL CANCER SYNDROME. Identifiers: Orphanet 300576, MedGen C1837750, MONDO:0012075, OMIM 608615. Disease mechanism: loss of function.

Allele frequency attached by ClinVar (database versions not stated): gnomAD exomes below 0.00001; TOPMed 0.00001; gnomAD 0.00002.
gnomAD v4.1: 5 of 1,614,044 alleles (0.00031%); highest among the groups gnomAD compares: Admixed American, 0.005%; no homozygotes.

Submissions (3):

Labcorp Genetics (formerly Invitae), Labcorp
Classification: Uncertain significance for Oligodontia-cancer predisposition syndrome. Last evaluated: 2025-06-27. Review status: criteria provided, single submitter. Criteria: Invitae Variant Classification Sherloc (09022015). Collection method: clinical testing. Allele origin: germline.
Comment: This sequence change replaces threonine, which is neutral and polar, with isoleucine, which is neutral and non-polar, at codon 107 of the AXIN2 protein (p.Thr107Ile). This variant is not present in population databases (gnomAD no frequency). This variant has not been reported in the literature in individuals affected with AXIN2-related conditions. ClinVar contains an entry for this variant (Variation ID: 577563). Invitae Evidence Modeling of protein sequence and biophysical properties (such as structural, functional, and spatial information, amino acid conservation, physicochemical variation, residue mobility, and thermodynamic stability) has been performed for this missense variant. However, the output from this modeling did not meet the statistical confidence thresholds required to predict the impact of this variant on AXIN2 protein function. In summary, the available evidence is currently insufficient to determine the role of this variant in disease. Therefore, it has been classified as a Variant of Uncertain Significance.

Ambry Genetics
Classification: Uncertain significance for Hereditary cancer-predisposing syndrome. Last evaluated: 2025-01-25. Review status: criteria provided, single submitter. Criteria: Ambry Variant Classification Scheme 2023. Collection method: clinical testing. Allele origin: germline.
Comment: The p.T107I variant (also known as c.320C>T), located in coding exon 1 of the AXIN2 gene, results from a C to T substitution at nucleotide position 320. The threonine at codon 107 is replaced by isoleucine, an amino acid with similar properties. This amino acid position is well conserved in available vertebrate species. In addition, this alteration is predicted to be tolerated by in silico analysis. Since supporting evidence is limited at this time, the clinical significance of this alteration remains unclear.

Baylor Genetics
Classification: Uncertain significance for Colorectal cancer. Last evaluated: 2023-12-17. Review status: criteria provided, single submitter. Criteria: ACMG Guidelines, 2015. Collection method: clinical testing. Allele origin: unknown.

NM_004655.4(AXIN2):c.320C>T (p.Thr107Ile)

Gene: AXIN2 (axin 2; minus strand). Cytogenetic location: 17q24.1.
Variant type: single nucleotide variant.
Coding change: c.320C>T on transcript NM_004655.4 (MANE Select); coding-DNA position 320, C replaced by T.
Protein change: p.Thr107Ile; replaces threonine 107 with isoleucine.
Molecular consequence: missense variant.
Genome position (GRCh38, 1-based): chr17:65,558,301, G>A on the plus strand (C>T on the coding strand, the complement: AXIN2 is on the minus strand). VCF-style: chr17-65558301-G-A. GRCh37 (hg19) VCF-style: chr17-63554419-G-A.
Other names: c.320C>T (LRG_296t1); c.320C>T, p.Thr107Ile (NM_001363813.1); short protein forms T107I.
Identifiers: ClinVar variation 577563 (VCV000577563.13), dbSNP rs1567769197, ClinGen allele CA400681659.